The following is an entry in ClinVar:

NM_015335.5(MED13L):c.6444G>C (p.Arg2148Ser)

Gene: MED13L (mediator complex subunit 13L; minus strand). Cytogenetic location: 12q24.21.
Variant type: single nucleotide variant.
Coding change: c.6444G>C on transcript NM_015335.5 (MANE Select); coding-DNA position 6444, G replaced by C.
Protein change: p.Arg2148Ser; replaces arginine 2148 with serine.
Molecular consequence: missense variant.
Genome position (GRCh38, 1-based): chr12:115,963,463, C>G on the plus strand (G>C on the coding strand, the complement: MED13L is on the minus strand). VCF-style: chr12-115963463-C-G. GRCh37 (hg19) VCF-style: chr12-116401268-C-G.
Other names: short protein forms R2148S.
Identifiers: ClinVar variation 3641667 (VCV003641667.2).
Genomic context (GRCh38, chr12:115,963,463, plus strand): 5'-CTACCTTAAAACATCCGACGTGGTTTTGGAGTCAAGAGGGTGTGGAACCCGCTGAGAATT[C>G]CTGGCAGGCAGAAGTTCGTCTGTCTGTGCTACTGAAATGTGGTGATGCAGCGAAGCCTGG-3'
Protein context (NP_056150.1, residues 2138-2158): VAQTDELLPA[Arg2148Ser]NSQRVPHPLD

ClinVar aggregate classification (germline): Uncertain significance (1 of 4 stars; one submission).

Conditions:
Dextro-looped transposition of the great arteries. Also called: Dextrotransposition of the great arteries. Identifiers: Orphanet 860, MedGen C3531771, MONDO:0019443, OMIM 608808, HP:0031348.

Submission:

Labcorp Genetics (formerly Invitae), Labcorp
Classification: Uncertain significance for Dextro-looped transposition of the great arteries. Last evaluated: 2024-02-24. Review status: criteria provided, single submitter. Criteria: Invitae Variant Classification Sherloc (09022015). Collection method: clinical testing. Allele origin: germline.
Comment: This sequence change replaces arginine, which is basic and polar, with serine, which is neutral and polar, at codon 2148 of the MED13L protein (p.Arg2148Ser). This variant is not present in population databases (gnomAD no frequency). This variant has not been reported in the literature in individuals affected with MED13L-related conditions. Advanced modeling of protein sequence and biophysical properties (such as structural, functional, and spatial information, amino acid conservation, physicochemical variation, residue mobility, and thermodynamic stability) performed at Invitae indicates that this missense variant is not expected to disrupt MED13L protein function with a negative predictive value of 80%. In summary, the available evidence is currently insufficient to determine the role of this variant in disease. Therefore, it has been classified as a Variant of Uncertain Significance.